The following is an entry in ClinVar:

ClinVar aggregate classification (germline): Uncertain significance (1 of 4 stars; one submission).

Conditions:
H syndrome. Also called: FAISALABAD HISTIOCYTOSIS; Asrar Facharzt Haque syndrome; HISTIOCYTOSIS AND LYMPHADENOPATHY WITH OR WITHOUT CUTANEOUS, CARDIAC, AND/OR ENDOCRINE FEATURES, JOINT CONTRACTURES, AND/OR DEAFNESS; HYPERPIGMENTATION, CUTANEOUS, WITH HYPERTRICHOSIS, HEPATOSPLENOMEGALY, HEART ANOMALIES, AND HYPOGONADISM WITH OR WITHOUT HEARING LOSS; PIGMENTED HYPERTRICHOSIS WITH INSULIN-DEPENDENT DIABETES MELLITUS; ROSAI-DORFMAN DISEASE, FAMILIAL. Identifiers: Orphanet 168569, MedGen C1864445, MONDO:0011273, OMIM 602782.

Allele frequency attached by ClinVar (database versions not stated): gnomAD exomes below 0.00001.
gnomAD v4.1: 3 of 1,614,180 alleles (0.00019%); highest among the groups gnomAD compares: Non-Finnish European, 0.000085%; no homozygotes.

Submission:

Labcorp Genetics (formerly Invitae), Labcorp
Classification: Uncertain significance for H syndrome. Last evaluated: 2022-06-04. Review status: criteria provided, single submitter. Criteria: Invitae Variant Classification Sherloc (09022015). Collection method: clinical testing. Allele origin: germline.
Comment: This sequence change replaces leucine, which is neutral and non-polar, with serine, which is neutral and polar, at codon 217 of the SLC29A3 protein (p.Leu217Ser). This variant is not present in population databases (gnomAD no frequency). This variant has not been reported in the literature in individuals affected with SLC29A3-related conditions. ClinVar contains an entry for this variant (Variation ID: 860380). Algorithms developed to predict the effect of missense changes on protein structure and function are either unavailable or do not agree on the potential impact of this missense change (SIFT: "Tolerated"; PolyPhen-2: "Possibly Damaging"; Align-GVGD: "Class C0"). In summary, the available evidence is currently insufficient to determine the role of this variant in disease. Therefore, it has been classified as a Variant of Uncertain Significance.

NM_018344.6(SLC29A3):c.650T>C (p.Leu217Ser)

Gene: SLC29A3 (solute carrier family 29 member 3; plus strand). Cytogenetic location: 10q22.1.
Variant type: single nucleotide variant.
Coding change: c.650T>C on transcript NM_018344.6 (MANE Select); coding-DNA position 650, T replaced by C.
Protein change: p.Leu217Ser; replaces leucine 217 with serine.
Molecular consequence: missense variant. On other transcripts: non-coding transcript variant (2).
Genome position (GRCh38, 1-based): chr10:71,356,120, T>C. VCF-style: chr10-71356120-T-C. GRCh37 (hg19) VCF-style: chr10-73115877-T-C.
Other names: c.650T>C, p.Leu217Ser (NM_001174098.2); c.416T>C, p.Leu139Ser (NM_001363518.2); short protein forms L139S, L217S.
Identifiers: ClinVar variation 860380 (VCV000860380.9), dbSNP rs1846900381, ClinGen allele CA377111228.